The following is an entry in ClinVar:

ClinVar aggregate classification (germline): Uncertain significance (1 of 4 stars; one submission).

Submission:

CeGaT Center for Human Genetics Tuebingen
Classification: Uncertain significance. Last evaluated: 2026-07-01. Review status: criteria provided, single submitter. Criteria: CeGaT Center For Human Genetics Tuebingen Variant Classification Criteria Version 2. Collection method: clinical testing. Allele origin: germline. Affected: yes. Observed: 1 variant allele.
Comment: ANK2: PM2

NM_001148.6(ANK2):c.10833C>A (p.Asp3611Glu)

Gene: ANK2 (ankyrin 2; plus strand). Cytogenetic location: 4q26.
Variant type: single nucleotide variant.
Coding change: c.10833C>A on transcript NM_001148.6 (MANE Select); coding-DNA position 10833, C replaced by A.
Protein change: p.Asp3611Glu; replaces aspartic acid 3611 with glutamic acid.
Molecular consequence: missense variant.
Genome position (GRCh38, 1-based): chr4:113,363,414, C>A. VCF-style: chr4-113363414-C-A. GRCh37 (hg19) VCF-style: chr4-114284570-C-A.
Other names: c.4551C>A, p.Asp1517Glu (NM_001127493.3); c.4590C>A, p.Asp1530Glu (NM_001354225.2); c.4479C>A, p.Asp1493Glu (NM_001354228.2, NM_001354258.2); c.4557C>A, p.Asp1519Glu (NM_001354230.2); c.4620C>A, p.Asp1540Glu (NM_001354231.2, NM_001354242.2); c.4614C>A, p.Asp1538Glu (NM_001354232.2); c.4575C>A, p.Asp1525Glu (NM_001354235.2, NM_001354246.2, NM_001354265.2); c.4476C>A, p.Asp1492Glu (NM_001354236.2); and 35 more; short protein forms D1365E, D1398E, D1426E, D1431E, D1439E, D1448E, D1451E, D1453E.
Identifiers: ClinVar variation 5040250 (VCV005040250.1).